The following is an entry in ClinVar:

ClinVar aggregate classification (germline): Uncertain significance. Review status: criteria provided, multiple submitters, no conflicts (2 of 4 stars). 2 submissions from 2 submitters: Uncertain significance (2). Last evaluated 2021-10-13.

Conditions:
Diffuse cerebral and cerebellar atrophy - intractable seizures - progressive microcephaly syndrome. Also called: Microcephaly, progressive, with seizures and cerebral and cerebellar atrophy. Identifiers: Orphanet 404437, MedGen C4014239, MONDO:0014335, OMIM 615760.

gnomAD v4.1: 5 of 1,613,994 alleles (0.00031%); highest among the groups gnomAD compares: South Asian, 0.0011%; no homozygotes.

Submissions (2):

Greenwood Genetic Center Diagnostic Laboratories, Greenwood Genetic Center
Classification: Uncertain significance. Last evaluated: 2021-10-13. Review status: criteria provided, single submitter. Criteria: ACMG Guidelines, 2015. Collection method: clinical testing. Allele origin: germline. Affected: yes.
Comment: PM2, PM3

Labcorp Genetics (formerly Invitae), Labcorp
Classification: Uncertain significance for Diffuse cerebral and cerebellar atrophy - intractable seizures - progressive microcephaly syndrome. Last evaluated: 2021-09-02. Review status: criteria provided, single submitter. Criteria: Invitae Variant Classification Sherloc (09022015). Collection method: clinical testing. Allele origin: germline.
Comment: This sequence change replaces phenylalanine with leucine at codon 107 of the QARS protein (p.Phe107Leu). The phenylalanine residue is moderately conserved and there is a small physicochemical difference between phenylalanine and leucine. This variant is not present in population databases (ExAC no frequency). This variant has not been reported in the literature in individuals affected with QARS-related conditions. Algorithms developed to predict the effect of missense changes on protein structure and function are either unavailable or do not agree on the potential impact of this missense change (SIFT: "Tolerated"; PolyPhen-2: "Possibly Damaging"; Align-GVGD: "Class C0"). Algorithms developed to predict the effect of sequence changes on RNA splicing suggest that this variant may create or strengthen a splice site. In summary, the available evidence is currently insufficient to determine the role of this variant in disease. Therefore, it has been classified as a Variant of Uncertain Significance.

NM_005051.3(QARS1):c.321C>A (p.Phe107Leu)

Gene: QARS1 (glutaminyl-tRNA synthetase 1; minus strand). Cytogenetic location: 3p21.31.
Variant type: single nucleotide variant.
Coding change: c.321C>A on transcript NM_005051.3 (MANE Select); coding-DNA position 321, C replaced by A.
Protein change: p.Phe107Leu; replaces phenylalanine 107 with leucine.
Molecular consequence: missense variant. On other transcripts: non-coding transcript variant (1).
Genome position (GRCh38, 1-based): chr3:49,103,917, G>T on the plus strand (C>A on the coding strand, the complement: QARS1 is on the minus strand). VCF-style: chr3-49103917-G-T. GRCh37 (hg19) VCF-style: chr3-49141350-G-T.
Other names: c.288C>A, p.Phe96Leu (NM_001272073.2); short protein forms F107L, F96L.
Identifiers: ClinVar variation 1045098 (VCV001045098.6), dbSNP rs201359259, ClinGen allele CA74480945.